The following is an entry in ClinVar:

ClinVar aggregate classification (germline): Uncertain significance (1 of 4 stars; one submission).

gnomAD v4.1: 17 of 1,611,108 alleles (0.0011%); highest among the groups gnomAD compares: Non-Finnish European, 0.00017%; no homozygotes.

Submission:

Women's Health and Genetics/Laboratory Corporation of America, LabCorp
Classification: Uncertain significance. Last evaluated: 2025-12-26. Review status: criteria provided, single submitter. Criteria: LabCorp Variant Classification Summary - May 2015. Collection method: clinical testing. Allele origin: germline.
Comment: Variant summary: CDC42BPB c.2575C>G (p.Leu859Val) results in a conservative amino acid change in the encoded protein sequence. Algorithms developed to predict the effect of missense changes on protein structure and function are either unavailable or do not agree on the potential impact of this missense change. The variant is located close to the end of exon 18, therefore might affect splicing. Computational tools predict significant impact on normal splicing: two predict the variant no significant impact on splicing, while 3 predict the variant slightly weakens the nearby 5' donor site. However, these predictions have yet to be confirmed by functional studies. The variant allele was found at a frequency of 1.1e-05 in 1604138 control chromosomes, predominantly at a frequency of 0.00044 within the Ashkenazi Jewish subpopulation in the gnomAD database. The occurrence in several carriers suggests that this variant is likely not associated with a high penetrance, severe, early onset disease phenotype in heterozygous state. To our knowledge, no occurrence of c.2575C>G in individuals affected with CDC42BPB-related conditions and no experimental evidence demonstrating its impact on protein function have been reported. No submitters have cited clinical-significance assessments for this variant to ClinVar. Based on the evidence outlined above, the variant was classified as VUS-possibly benign.

NM_006035.4(CDC42BPB):c.2575C>G (p.Leu859Val)

Gene: CDC42BPB (CDC42 binding protein kinase beta; minus strand). Cytogenetic location: 14q32.32.
Variant type: single nucleotide variant.
Coding change: c.2575C>G on transcript NM_006035.4 (MANE Select); coding-DNA position 2575, C replaced by G.
Protein change: p.Leu859Val; replaces leucine 859 with valine.
Molecular consequence: missense variant.
Genome position (GRCh38, 1-based): chr14:102,966,284, G>C on the plus strand (C>G on the coding strand, the complement: CDC42BPB is on the minus strand). VCF-style: chr14-102966284-G-C. GRCh37 (hg19) VCF-style: chr14-103432621-G-C.
Other names: c.2575C>G, p.Leu859Val (NM_001411054.1); short protein forms L859V.
Identifiers: ClinVar variation 4688809 (VCV004688809.1).
Genomic context (GRCh38, chr14:102,966,284, plus strand): 5'-CTTAAAACCATTAGCGAATTATTCAGTAATAGAAATGCAGGCATTACACAAAACCTACCA[G>C]TGTTCTTGACCCCAGACTAGAACTCCTCAAAGCCTCGAGCTCTTCGGTCATCTTGGAAGC-3'
Protein context (NP_006026.3, residues 849-869): LRSSSLGSRT[Leu859Val]DPLWKVRRSQ